The following is an entry in ClinVar:

NM_001365536.1(SCN9A):c.5895C>A (p.Asp1965Glu)

Genes: SCN1A-AS1 (SCN1A and SCN9A antisense RNA 1; plus strand), SCN9A (sodium voltage-gated channel alpha subunit 9; minus strand). Cytogenetic location: 2q24.3.
Variant type: single nucleotide variant.
Coding change: c.5895C>A on transcript NM_001365536.1 (MANE Select); coding-DNA position 5895, C replaced by A.
Protein change: p.Asp1965Glu; replaces aspartic acid 1965 with glutamic acid.
Molecular consequence: missense variant.
Genome position (GRCh38, 1-based): chr2:166,198,744, G>T on the plus strand (C>A on the coding strand, the complement: SCN9A is on the minus strand). VCF-style: chr2-166198744-G-T. GRCh37 (hg19) VCF-style: chr2-167055254-G-T.
Other names: c.5862C>A, p.Asp1954Glu (NM_002977.4); short protein forms D1954E, D1965E.
Identifiers: ClinVar variation 4785277 (VCV004785277.1).
Genomic context (GRCh38, chr2:166,198,744, plus strand): 5'-TTCCTTGCTGTCTTTCCCTTTGTCTTCCTTTTCTGTTCTGTCTTGTTCATATTTCTCTTT[G>T]TCTGGCTTTGTTACACTATCATATGAAGGTGGAGAGGTGGTGGATGAAGTGGCATCTGTT-3'
Protein context (NP_001352465.1, residues 1955-1975): PPSYDSVTKP[Asp1965Glu]KEKYEQDRTE

ClinVar aggregate classification (germline): Uncertain significance (1 of 4 stars; one submission).

Conditions:
Neuropathy, hereditary sensory and autonomic, type 2A (HSAN2A). Also called: WNK1-Related HSAN2 (HSAN2A); ACROOSTEOLYSIS, GIACCAI TYPE; ACROOSTEOLYSIS, NEUROGENIC; MORVAN DISEASE; NEUROPATHY, CONGENITAL SENSORY; NEUROPATHY, HEREDITARY SENSORY RADICULAR, AUTOSOMAL RECESSIVE. Identifiers: Orphanet 970, MedGen C2752089, MONDO:0024309, OMIM 201300.
Generalized epilepsy with febrile seizures plus, type 7 (GEFSP7). Also called: GEFS+, TYPE 7. Identifiers: Orphanet 36387, MedGen C2751778, MONDO:0013470, OMIM 613863.

Submission:

Labcorp Genetics (formerly Invitae), Labcorp
Classification: Uncertain significance for Neuropathy, hereditary sensory and autonomic, type 2A; Generalized epilepsy with febrile seizures plus, type 7. Last evaluated: 2025-02-04. Review status: criteria provided, single submitter. Criteria: Invitae Variant Classification Sherloc (09022015). Collection method: clinical testing. Allele origin: germline.
Comment: This sequence change replaces aspartic acid, which is acidic and polar, with glutamic acid, which is acidic and polar, at codon 1954 of the SCN9A protein (p.Asp1954Glu). This variant is present in population databases (rs770061981, gnomAD 0.0009%). This variant has not been reported in the literature in individuals affected with SCN9A-related conditions. An algorithm developed to predict the effect of missense changes on protein structure and function outputs the following: PolyPhen-2: "Benign". The glutamic acid amino acid residue is found in multiple mammalian species, which suggests that this missense change does not adversely affect protein function. In summary, the available evidence is currently insufficient to determine the role of this variant in disease. Therefore, it has been classified as a Variant of Uncertain Significance.